The following is an entry in ClinVar:

ClinVar aggregate classification (germline): Likely benign. Review status: criteria provided, multiple submitters, no conflicts (2 of 4 stars). 3 submissions from 3 submitters: Likely benign (2). 1 of the submissions does not count toward it. Last evaluated 2024-09-23.

Conditions:
SYNE1-related disorder. Also called: SYNE1-related disorders; SYNE1-related disease; SYNE1-related condition.
Autosomal recessive ataxia, Beauce type. Also called: Spinocerebellar ataxia, autosomal recessive 8; ATAXIA, RECESSIVE, OF BEAUCE; SYNE1-Related Autosomal Recessive Cerebellar Ataxia; SYNE1 Deficiency. Identifiers: Orphanet 88644, MedGen C1853116, MONDO:0012549, OMIM 610743.
Emery-Dreifuss muscular dystrophy 4, autosomal dominant (EDMD4). Also called: EMERY-DREIFUSS MUSCULAR DYSTROPHY 4 WITH VARIABLE FEATURES. Identifiers: Orphanet 261, MedGen C2751807, MONDO:0013071, OMIM 612998.

Allele frequency attached by ClinVar (database versions not stated): gnomAD exomes 0.00002; ExAC 0.00003; TOPMed 0.00003; gnomAD 0.00005; ESP Exome Variant Server 0.00008.
gnomAD v4.1: 42 of 1,613,766 alleles (0.0026%); highest among the groups gnomAD compares: African/African-American, 0.012%; no homozygotes.

Submissions (3):

Blueprint Genetics
Classification: Likely benign. Last evaluated: 2024-09-23. Review status: criteria provided, single submitter. Criteria: ACMG Guidelines, 2015. Collection method: clinical testing. Allele origin: germline.

Labcorp Genetics (formerly Invitae), Labcorp
Classification: Likely benign for Emery-Dreifuss muscular dystrophy 4, autosomal dominant; Autosomal recessive ataxia, Beauce type. Last evaluated: 2023-07-10. Review status: criteria provided, single submitter. Criteria: Invitae Variant Classification Sherloc (09022015). Collection method: clinical testing. Allele origin: germline.

PreventionGenetics, part of Exact Sciences
Classification: Likely benign for SYNE1-related condition. Last evaluated: 2021-12-30. Review status: no assertion criteria provided. Collection method: clinical testing. Allele origin: germline. Not counted in ClinVar's aggregate classification.
Comment: This variant is classified as likely benign based on ACMG/AMP sequence variant interpretation guidelines (Richards et al. 2015 PMID: 25741868, with internal and published modifications).

NM_182961.4(SYNE1):c.23091G>A (p.Ser7697=)

Gene: SYNE1 (spectrin repeat containing nuclear envelope protein 1; minus strand). Cytogenetic location: 6q25.2.
Variant type: single nucleotide variant.
Coding change: c.23091G>A on transcript NM_182961.4 (MANE Select); coding-DNA position 23091, G replaced by A.
Protein change: p.Ser7697=; no amino-acid change (serine 7697 retained).
Molecular consequence: synonymous variant.
Genome position (GRCh38, 1-based): chr6:152,201,878, C>T on the plus strand (G>A on the coding strand, the complement: SYNE1 is on the minus strand). VCF-style: chr6-152201878-C-T. GRCh37 (hg19) VCF-style: chr6-152523013-C-T.
Other names: c.22878G>A, p.Ser7626= (NM_033071.5).
Identifiers: ClinVar variation 2038457 (VCV002038457.7), dbSNP rs376758370, ClinGen allele CA4053694.